The following is an entry in ClinVar:

ClinVar aggregate classification (germline): Likely benign. Review status: criteria provided, multiple submitters, no conflicts (2 of 4 stars). 6 submissions from 6 submitters: Likely benign (4). 2 of the submissions do not count toward it. Last evaluated 2026-02-03.

Conditions:
Neurofibromatosis, type 1 (NF1). Also called: VON RECKLINGHAUSEN DISEASE; Neurofibromatosis, type I; Peripheral type neurofibromatosis; NEUROFIBROMATOSIS, TYPE I, SOMATIC. Identifiers: Orphanet 636, MedGen C0027831, MONDO:0018975, OMIM 162200. Disease mechanism: loss of function.

Submissions (6):

Labcorp Genetics (formerly Invitae), Labcorp
Classification: Likely benign for Neurofibromatosis, type 1. Last evaluated: 2026-02-03. Review status: criteria provided, single submitter. Criteria: Invitae Variant Classification Sherloc (09022015). Collection method: clinical testing. Allele origin: germline.

CeGaT Center for Human Genetics Tuebingen
Classification: Likely benign. Last evaluated: 2026-01-01. Review status: criteria provided, single submitter. Criteria: CeGaT Center For Human Genetics Tuebingen Variant Classification Criteria Version 2. Collection method: clinical testing. Allele origin: germline. Affected: yes. Observed: 3 variant alleles.
Comment: NF1: BS2

Women's Health and Genetics/Laboratory Corporation of America, LabCorp
Classification: Likely benign. Last evaluated: 2024-06-17. Review status: criteria provided, single submitter. Criteria: LabCorp Variant Classification Summary - May 2015. Collection method: clinical testing. Allele origin: germline.
Comment: Variant summary: NF1 c.4269+22_4269+25delGCTA is located at a position not widely known to affect splicing. Consensus agreement among computation tools predict no significant impact on normal splicing. However, these predictions have yet to be confirmed by functional studies. The variant allele was found at a frequency of 0.00014 in 249196 control chromosomes, predominantly at a frequency of 0.00025 within the African or African-American subpopulation in the gnomAD database. The available data on variant occurrences in the general population are insufficient to allow any conclusion about variant significance. To our knowledge, no occurrence of c.4269+22_4269+25delGCTA in individuals affected with Neurofibromatosis Type 1 and no experimental evidence demonstrating its impact on protein function have been reported. ClinVar contains an entry for this variant (Variation ID: 808252). Based on the evidence outlined above, the variant was classified as likely benign.

Blueprint Genetics
Classification: Likely benign. Last evaluated: 2023-10-17. Review status: criteria provided, single submitter. Criteria: ACMG Guidelines, 2015. Collection method: clinical testing. Allele origin: germline.

Clinical Genetics DNA and cytogenetics Diagnostics Lab, Erasmus MC, Erasmus Medical Center
Classification: Benign. Review status: no assertion criteria provided. Collection method: clinical testing. Allele origin: germline. Affected: yes. Study: VKGL Data-share Consensus. Not counted in ClinVar's aggregate classification.

Diagnostic Laboratory, Department of Genetics, University Medical Center Groningen
Classification: Likely benign. Review status: no assertion criteria provided. Collection method: clinical testing. Allele origin: germline. Affected: yes. Study: VKGL Data-share Consensus. Not counted in ClinVar's aggregate classification.

Literature cited by the submitters: PubMed 10678181 (cited by Women's Health and Genetics/Laboratory Corporation of America, LabCorp); PubMed 23460398 (cited by Women's Health and Genetics/Laboratory Corporation of America, LabCorp); PubMed 27069254 (cited by Women's Health and Genetics/Laboratory Corporation of America, LabCorp).

NM_001042492.3(NF1):c.4332+22_4332+25del

Gene: NF1 (neurofibromin 1; plus strand). Cytogenetic location: 17q11.2.
Variant type: Deletion.
Coding change: c.4332+22_4332+25del on transcript NM_001042492.3 (MANE Select); bases 22 to 25 of the intron after coding-DNA position 4332, 4 bases deleted (GCTA; older notation c.4332+22_4332+25delGCTA).
Molecular consequence: intron variant.
Genome position (GRCh38, 1-based): chr17:31,258,524-31,258,527, GCTA deleted; deleting any 4 consecutive bases within chr17:31,258,521-31,258,527 gives the same sequence; the c. name uses the placement nearest the transcript's 3' end. VCF-style (leftmost placement, unchanged base first): chr17-31258520-TCTAG-T. GRCh37 (hg19) VCF-style: chr17-29585538-TCTAG-T.
Other names: c.4269+22_4269+25delGCTA (NM_000267.3); c.4269+22_4269+25del (NM_000267.4).
Identifiers: ClinVar variation 808252 (VCV000808252.52), dbSNP rs768273651, ClinGen allele CA8486388.